The following is an entry in ClinVar:

NM_004453.4(ETFDH):c.1285G>T (p.Gly429Ter)

Gene: ETFDH (electron transfer flavoprotein dehydrogenase; plus strand). Cytogenetic location: 4q32.1.
Variant type: single nucleotide variant.
Coding change: c.1285G>T on transcript NM_004453.4 (MANE Select); coding-DNA position 1285, G replaced by T.
Protein change: p.Gly429Ter; replaces glycine 429 with a stop codon.
Molecular consequence: nonsense.
Genome position (GRCh38, 1-based): chr4:158,703,591, G>T. VCF-style: chr4-158703591-G-T. GRCh37 (hg19) VCF-style: chr4-159624743-G-T.
Other names: c.1144G>T, p.Gly382Ter (NM_001281737.2); c.1102G>T, p.Gly368Ter (NM_001281738.1); short protein forms G368*, G382*, G429*.
Identifiers: ClinVar variation 4815346 (VCV004815346.1).
Genomic context (GRCh38, chr4:158,703,591, plus strand): 5'-TTAGCAGCAGAATCTATTTTTAATCAACTAACTAGTGAAAATCTCCAATCAAAGACAATA[G>T]GTAAGAAATTCCTGTGTAAAGTATACAAAAGAAAATTGCTGGGTTATGTGTATTTCAATT-3'

ClinVar aggregate classification (germline): Likely pathogenic (1 of 4 stars; one submission).

Conditions:
Glutaric acidemia type 2C.

Submission:

Natera, Inc.
Classification: Likely pathogenic for Glutaric acidemia type 2C. Last evaluated: 2024-04-20. Review status: criteria provided, single submitter. Criteria: Natera Variant Classification Schema (03/2026). Collection method: clinical testing. Allele origin: germline.
Comment: The c.1285G>T variant in ETFDH is a nonsense variant predicted to introduce a stop codon at amino acid 429. This variant is expected to result in nonsense mediated decay, truncation, or a dysfunctional protein product. This variant is rare in the general population with a frequency below the threshold expected for the associated phenotype(s). Given the available evidence, this variant is classified as Likely Pathogenic.